The following is an entry in ClinVar:

NM_003128.3(SPTBN1):c.2126A>C (p.His709Pro)

Gene: SPTBN1 (spectrin beta, non-erythrocytic 1; plus strand). Cytogenetic location: 2p16.2.
Variant type: single nucleotide variant.
Coding change: c.2126A>C on transcript NM_003128.3 (MANE Select); coding-DNA position 2126, A replaced by C.
Protein change: p.His709Pro; replaces histidine 709 with proline.
Molecular consequence: missense variant.
Genome position (GRCh38, 1-based): chr2:54,629,260, A>C. VCF-style: chr2-54629260-A-C. GRCh37 (hg19) VCF-style: chr2-54856397-A-C.
Other names: c.2087A>C, p.His696Pro (NM_178313.3); short protein forms H696P, H709P.
Identifiers: ClinVar variation 2575860 (VCV002575860.1), dbSNP rs1678566785, ClinGen allele CA346879920.

ClinVar aggregate classification (germline): Uncertain significance (1 of 4 stars; one submission).

Allele frequency attached by ClinVar (database versions not stated): gnomAD 0.00001.
gnomAD v4.1: 1 of 1,613,930 alleles (0.000062%); highest among the groups gnomAD compares: Admixed American, 0.0017%; no homozygotes.

Submission:

GeneDx
Classification: Uncertain significance. Last evaluated: 2023-02-14. Review status: criteria provided, single submitter. Criteria: GeneDx Variant Classification Process June 2021. Collection method: clinical testing. Allele origin: germline. Affected: yes.
Comment: Not observed at significant frequency in large population cohorts (gnomAD); In silico analysis supports that this missense variant has a deleterious effect on protein structure/function; Has not been previously published as pathogenic or benign to our knowledge